The following is an entry in ClinVar:

ClinVar aggregate classification (germline): Pathogenic. Review status: criteria provided, multiple submitters, no conflicts (2 of 4 stars). 2 submissions from 2 submitters: Pathogenic (2). Last evaluated 2023-06-27.

Conditions:
Hereditary cancer-predisposing syndrome. Also called: Neoplastic Syndromes, Hereditary; Hereditary Cancer Syndrome; Tumor predisposition; Hereditary neoplastic syndrome. Identifiers: Orphanet 140162, MedGen C0027672, MeSH D009386, MONDO:0015356.
Breast-ovarian cancer, familial, susceptibility to, 5 (BROVCA5). Identifiers: MedGen C5830615, MONDO:0957530, OMIM 620442.
Fanconi anemia complementation group N. Also called: PALB2-Related Fanconi Anemia. Identifiers: Orphanet 84, MedGen C1835817, MONDO:0012565, OMIM 610832. Disease mechanism: loss of function.
Pancreatic cancer, susceptibility to, 3. Identifiers: Orphanet 1333, MedGen C3150547, MONDO:0013236, OMIM 613348.

Submissions (2):

Department of Pathology and Laboratory Medicine, Sinai Health System
Classification: Pathogenic for Fanconi anemia complementation group N; Pancreatic cancer, susceptibility to, 3; Breast-ovarian cancer, familial, susceptibility to, 5. Last evaluated: 2023-06-27. Review status: criteria provided, single submitter. Criteria: ACMG Guidelines, 2015. Collection method: clinical testing. Allele origin: germline. Affected: no.

Ambry Genetics
Classification: Pathogenic for Hereditary cancer-predisposing syndrome. Last evaluated: 2023-05-19. Review status: criteria provided, single submitter. Criteria: Ambry Variant Classification Scheme 2023. Collection method: clinical testing. Allele origin: germline.
Comment: The c.3037_3040delATACinsGTG pathogenic mutation, located in coding exon 10 of the PALB2 gene, results from the deletion of 4 nucleotides and insertion of 3 nucleotides causing a translational frameshift with a predicted alternate stop codon (p.I1013Vfs*2). This variant is considered to be rare based on population cohorts in the Genome Aggregation Database (gnomAD). This alteration is expected to result in loss of function by premature protein truncation or nonsense-mediated mRNA decay. As such, this alteration is interpreted as a disease-causing mutation.

NM_024675.4(PALB2):c.3037_3040delinsGTG (p.Ile1013fs)

Gene: PALB2 (partner and localizer of BRCA2; minus strand). Cytogenetic location: 16p12.2.
Variant type: Indel.
Coding change: c.3037_3040delinsGTG on transcript NM_024675.4 (MANE Select); coding-DNA positions 3037 to 3040, ATAC replaced by GTG.
Protein change: p.Ile1013fs; shifts the reading frame from isoleucine 1013.
Molecular consequence: frameshift variant. On other transcripts: intron variant (1).
Genome position (GRCh38, 1-based): chr16:23,621,435-23,621,438, GTAT replaced by CAC on the plus strand (ATAC replaced by GTG on the coding strand, the reverse complement: PALB2 is on the minus strand). VCF-style: chr16-23621435-GTAT-CAC. GRCh37 (hg19) VCF-style: chr16-23632756-GTAT-CAC.
Other names: c.2875_2878delinsGTG, p.Ile959fs (NM_001407302.1, NM_001407298.1); c.2152_2155delinsGTG, p.Ile718fs (NM_001407304.1, NM_001407305.1, NM_001407306.1 and 4 more transcripts); c.1990_1993delinsGTG, p.Ile664fs (NM_001407307.1); c.2977_2980delinsGTG, p.Ile993fs (NM_001407296.1); c.2965_2968delinsGTG, p.Ile989fs (NM_001407297.1); c.3037_3040delinsGTG, p.Ile1013fs (NM_001407299.1, NM_001407301.1); c.1249_1252delinsGTG, p.Ile417fs (NM_001407312.1, NM_001407313.1); c.571_574delinsGTG, p.Ile191fs (NM_001407314.1); and 1 more; short protein forms I1013fs, I417fs, I989fs, I993fs, I191fs, I664fs, I718fs, I959fs.
Identifiers: ClinVar variation 2567586 (VCV002567586.3), dbSNP rs2506319680, ClinGen allele CA2580613446.